The following is an entry in ClinVar:

ClinVar aggregate classification (germline): Uncertain significance (1 of 4 stars; one submission).

Allele frequency attached by ClinVar (database versions not stated): gnomAD 0.00001; ExAC 0.00002; gnomAD exomes 0.00002.
gnomAD v4.1: 35 of 1,614,072 alleles (0.0022%); highest among the groups gnomAD compares: Non-Finnish European, 0.0029%; no homozygotes.

Submission:

Labcorp Genetics (formerly Invitae), Labcorp
Classification: Uncertain significance. Last evaluated: 2022-08-21. Review status: criteria provided, single submitter. Criteria: Invitae Variant Classification Sherloc (09022015). Collection method: clinical testing. Allele origin: germline.
Comment: This sequence change replaces aspartic acid, which is acidic and polar, with alanine, which is neutral and non-polar, at codon 358 of the CEP97 protein (p.Asp358Ala). This variant is present in population databases (rs778998982, gnomAD 0.004%). This variant has not been reported in the literature in individuals affected with CEP97-related conditions. Algorithms developed to predict the effect of missense changes on protein structure and function (SIFT, PolyPhen-2, Align-GVGD) all suggest that this variant is likely to be tolerated. In summary, the available evidence is currently insufficient to determine the role of this variant in disease. Therefore, it has been classified as a Variant of Uncertain Significance.

NM_024548.4(CEP97):c.1073A>C (p.Asp358Ala)

Gene: CEP97 (centrosomal protein 97; plus strand). Cytogenetic location: 3q12.3.
Variant type: single nucleotide variant.
Coding change: c.1073A>C on transcript NM_024548.4 (MANE Select); coding-DNA position 1073, A replaced by C.
Protein change: p.Asp358Ala; replaces aspartic acid 358 with alanine.
Molecular consequence: missense variant. On other transcripts: intron variant (1).
Genome position (GRCh38, 1-based): chr3:101,757,679, A>C. VCF-style: chr3-101757679-A-C. GRCh37 (hg19) VCF-style: chr3-101476523-A-C.
Other names: c.971A>C, p.Asp324Ala (NM_001410784.1); c.1028-132A>C (NM_001303401.2); short protein forms D358A, D324A.
Identifiers: ClinVar variation 1937052 (VCV001937052.5), dbSNP rs778998982, ClinGen allele CA2522063.
Genomic context (GRCh38, chr3:101,757,679, plus strand): 5'-TGTTGATTCTTCTAGAACCCGTCATTCAAGTGAATTCTTGGGTTGGGATAAACAGTAATG[A>C]TGATCAGTTATTTGCGGTTAAGAATAATTTTCCAGCCTCTGTACACACTACGAGATATTC-3'
Protein context (NP_078824.2, residues 348-368): VNSWVGINSN[Asp358Ala]DQLFAVKNNF